The following is an entry in ClinVar:

NM_000163.5(GHR):c.1574A>G (p.Gln525Arg)

Gene: GHR (growth hormone receptor; plus strand). Cytogenetic location: 5p12.
Variant type: single nucleotide variant.
Coding change: c.1574A>G on transcript NM_000163.5 (MANE Select); coding-DNA position 1574, A replaced by G.
Protein change: p.Gln525Arg; replaces glutamine 525 with arginine.
Molecular consequence: missense variant. On other transcripts: 3 prime UTR variant (1).
Genome position (GRCh38, 1-based): chr5:42,719,081, A>G. VCF-style: chr5-42719081-A-G. GRCh37 (hg19) VCF-style: chr5-42719183-A-G.
Other names: c.1595A>G, p.Gln532Arg (NM_001242399.2); c.1574A>G, p.Gln525Arg (NM_001242400.2, NM_001242401.4, NM_001242402.2 and 4 more transcripts); c.1508A>G, p.Gln503Arg (NM_001242460.2); c.*616A>G (NM_001242462.1); short protein forms Q503R, Q525R, Q532R.
Identifiers: ClinVar variation 3690732 (VCV003690732.2).

ClinVar aggregate classification (germline): Uncertain significance (1 of 4 stars; one submission).

gnomAD v4.1: 2 of 1,613,344 alleles (0.00012%); highest among the groups gnomAD compares: Non-Finnish European, 0.000085%; no homozygotes.

Submission:

Labcorp Genetics (formerly Invitae), Labcorp
Classification: Uncertain significance. Last evaluated: 2024-11-19. Review status: criteria provided, single submitter. Criteria: Invitae Variant Classification Sherloc (09022015). Collection method: clinical testing. Allele origin: germline.
Comment: This sequence change replaces glutamine, which is neutral and polar, with arginine, which is basic and polar, at codon 525 of the GHR protein (p.Gln525Arg). This variant is present in population databases (no rsID available, gnomAD 0.0009%). This variant has not been reported in the literature in individuals affected with GHR-related conditions. Invitae Evidence Modeling of protein sequence and biophysical properties (such as structural, functional, and spatial information, amino acid conservation, physicochemical variation, residue mobility, and thermodynamic stability) indicates that this missense variant is not expected to disrupt GHR protein function with a negative predictive value of 80%. In summary, the available evidence is currently insufficient to determine the role of this variant in disease. Therefore, it has been classified as a Variant of Uncertain Significance.